The following is an entry in ClinVar:

NM_001172303.3(MASTL):c.1355C>A (p.Ser452Tyr)

Gene: MASTL (microtubule associated serine/threonine kinase like; plus strand). Cytogenetic location: 10p12.1.
Variant type: single nucleotide variant.
Coding change: c.1355C>A on transcript NM_001172303.3 (MANE Select); coding-DNA position 1355, C replaced by A.
Protein change: p.Ser452Tyr; replaces serine 452 with tyrosine.
Molecular consequence: missense variant. On other transcripts: non-coding transcript variant (1).
Genome position (GRCh38, 1-based): chr10:27,170,314, C>A. VCF-style: chr10-27170314-C-A. GRCh37 (hg19) VCF-style: chr10-27459243-C-A.
Other names: c.1355C>A, p.Ser452Tyr (NM_001172304.3, NM_001320756.2, NM_001320757.2 and 1 more transcripts); c.872C>A, p.Ser291Tyr (NM_001372029.1, NM_001372030.1); c.1355C>A (NM_032844.4); short protein forms S452Y, S291Y.
Identifiers: ClinVar variation 299792 (VCV000299792.7), dbSNP rs148839815, ClinGen allele CA5450195.

ClinVar aggregate classification (germline): Benign. Review status: criteria provided, single submitter (1 of 4 stars). 2 submissions from 2 submitters: Benign (1). 1 of the submissions does not count toward it. Last evaluated 2018-01-13.

Conditions:
MASTL-related disorder. Also called: MASTL-related condition.
Thrombocytopenia. Identifiers: MedGen C0040034, MeSH D013921, MONDO:0002049, HP:0001873.

Allele frequency attached by ClinVar (database versions not stated): gnomAD 0.00019; TOPMed 0.00022; gnomAD exomes 0.00026; ExAC 0.00028; ESP Exome Variant Server 0.00039.
gnomAD v4.1: 222 of 1,613,542 alleles (0.014%); highest among the groups gnomAD compares: Middle Eastern, 0.049%; 3 homozygotes.

Submissions (2):

Illumina Laboratory Services, Illumina
Classification: Benign for Thrombocytopenia. Last evaluated: 2018-01-13. Review status: criteria provided, single submitter. Criteria: ICSL Variant Classification Criteria 13 December 2019. Collection method: clinical testing. Allele origin: germline.
Comment: This variant was observed in the ICSL laboratory as part of a predisposition screen in an ostensibly healthy population. It had not been previously curated by ICSL or reported in the Human Gene Mutation Database (HGMD: prior to June 1st, 2018), and was therefore a candidate for classification through an automated scoring system. Utilizing variant allele frequency, disease prevalence and penetrance estimates, and inheritance mode, an automated score was calculated to assess if this variant is too frequent to cause the disease. Based on the score and internal cut-off values, a variant classified as benign is not then subjected to further curation. The score for this variant resulted in a classification of benign for this disease.

PreventionGenetics, part of Exact Sciences
Classification: Likely benign for MASTL-related condition. Last evaluated: 2023-07-24. Review status: no assertion criteria provided. Collection method: clinical testing. Allele origin: germline. Not counted in ClinVar's aggregate classification.
Comment: This variant is classified as likely benign based on ACMG/AMP sequence variant interpretation guidelines (Richards et al. 2015 PMID: 25741868, with internal and published modifications).